The following is an entry in ClinVar:

NM_001326411.2(PISD):c.115C>G (p.Arg39Gly)

Gene: PISD (phosphatidylserine decarboxylase; minus strand). Cytogenetic location: 22q12.2.
Variant type: single nucleotide variant.
Coding change: c.115C>G on transcript NM_001326411.2 (MANE Select); coding-DNA position 115, C replaced by G.
Protein change: p.Arg39Gly; replaces arginine 39 with glycine.
Molecular consequence: missense variant. On other transcripts: 5 prime UTR variant (4), intron variant (4).
Genome position (GRCh38, 1-based): chr22:31,650,729, G>C on the plus strand (C>G on the coding strand, the complement: PISD is on the minus strand). VCF-style: chr22-31650729-G-C. GRCh37 (hg19) VCF-style: chr22-32046715-G-C.
Other names: c.115C>G, p.Arg39Gly (NM_001326412.1, NM_001326421.1); c.-115C>G (NM_001326414.2); c.-517C>G (NM_001326416.2); c.-408C>G (NM_001326417.2, NM_001326419.2); c.-35-2453C>G (NM_001326420.2, NM_001326418.2); c.-84-2453C>G (NM_001326413.2); c.-377-2453C>G (NM_001326415.2); short protein forms R39G.
Identifiers: ClinVar variation 2716301 (VCV002716301.3), dbSNP rs577732740, ClinGen allele CA411297138.

ClinVar aggregate classification (germline): Uncertain significance (1 of 4 stars; one submission).

gnomAD v4.1: 5 of 1,555,390 alleles (0.00032%); highest among the groups gnomAD compares: African/African-American, 0.0055%; no homozygotes.

Submission:

Labcorp Genetics (formerly Invitae), Labcorp
Classification: Uncertain significance. Last evaluated: 2022-08-08. Review status: criteria provided, single submitter. Criteria: Invitae Variant Classification Sherloc (09022015). Collection method: clinical testing. Allele origin: germline.
Comment: This sequence change replaces arginine, which is basic and polar, with glycine, which is neutral and non-polar, at codon 39 of the PISD protein (p.Arg39Gly). This variant is present in population databases (no rsID available, gnomAD no frequency). This variant has not been reported in the literature in individuals affected with PISD-related conditions. In summary, the available evidence is currently insufficient to determine the role of this variant in disease. Therefore, it has been classified as a Variant of Uncertain Significance. Algorithms developed to predict the effect of missense changes on protein structure and function are either unavailable or do not agree on the potential impact of this missense change (SIFT: "Not Available"; PolyPhen-2: "Benign"; Align-GVGD: "Not Available").